The following is an entry in ClinVar:

NM_130837.3(OPA1):c.778C>A (p.Gln260Lys)

Genes: OPA1 (OPA1 mitochondrial dynamin like GTPase; plus strand), OPA1-AS1 (OPA1 antisense RNA 1; minus strand). Cytogenetic location: 3q29.
Variant type: single nucleotide variant.
Coding change: c.778C>A on transcript NM_130837.3 (MANE Select); coding-DNA position 778, C replaced by A.
Protein change: p.Gln260Lys; replaces glutamine 260 with lysine.
Molecular consequence: missense variant. On other transcripts: intron variant (5).
Genome position (GRCh38, 1-based): chr3:193,626,191, C>A. VCF-style: chr3-193626191-C-A. GRCh37 (hg19) VCF-style: chr3-193343980-C-A.
Other names: c.244C>A, p.Gln82Lys (NM_001354663.2); c.616C>A, p.Gln206Lys (NM_130833.3); c.670C>A, p.Gln224Lys (NM_130835.3); c.724C>A, p.Gln242Lys (NM_130836.3); c.253-5421C>A (NM_001354664.2); c.679-5421C>A (NM_130834.3); c.625-5421C>A (NM_015560.3); c.571-5421C>A (NM_130832.3); and 1 more; short protein forms Q206K, Q224K, Q242K, Q260K, Q82K.
Identifiers: ClinVar variation 4806171 (VCV004806171.1).

ClinVar aggregate classification (germline): Uncertain significance (1 of 4 stars; one submission).

gnomAD v4.1: 1 of 1,613,362 alleles (0.000062%); highest among the groups gnomAD compares: Non-Finnish European, 0.000085%; no homozygotes.

Submission:

Labcorp Genetics (formerly Invitae), Labcorp
Classification: Uncertain significance. Last evaluated: 2026-01-12. Review status: criteria provided, single submitter. Criteria: Invitae Variant Classification Sherloc (09022015). Collection method: clinical testing. Allele origin: germline.
Comment: The OPA1 gene has multiple clinically relevant transcripts. This variant occurs in alternate transcript NM_130837.2, and corresponds to NM_015560.2:c.625-5421C>A in the primary transcript. This sequence change replaces glutamine, which is neutral and polar, with lysine, which is basic and polar, at codon 260 of the OPA1 protein (p.Gln260Lys). This variant is not present in population databases (gnomAD no frequency). This variant has not been reported in the literature in individuals affected with OPA1-related conditions. Algorithms developed to predict the effect of sequence changes on RNA splicing suggest that this variant is not likely to affect RNA splicing. In summary, the available evidence is currently insufficient to determine the role of this variant in disease. Therefore, it has been classified as a Variant of Uncertain Significance.